The following is an entry in ClinVar:

NC_000023.10:g.(122598964_122613913)_(122624767_?)dup

Gene: GRIA3 (glutamate ionotropic receptor AMPA type subunit 3; plus strand). Cytogenetic location: Xq25.
Variant type: Duplication.
Identifiers: ClinVar variation 3769254 (VCV003769254.2).

ClinVar aggregate classification (germline): Uncertain significance (1 of 4 stars; one submission).

Submission:

Women's Health and Genetics/Laboratory Corporation of America, LabCorp
Classification: Uncertain significance. Last evaluated: 2025-01-06. Review status: criteria provided, single submitter. Criteria: LabCorp Variant Classification Summary - May 2015. Collection method: clinical testing. Allele origin: germline.
Comment: Variant summary: The variant involves the duplication of exons 14-16 in the GRIA3 gene. A presumed nomenclature of c.(2324+1_2325-1)_(*2207_?)dup has been designated for the purposes of this classification. The exact breakpoint at the 3' end of this variant is unknown, therefore this duplication may extend downstream of the annotated region of the gene. As it duplicates the termination codon, its effect on the encoded protein is unknown. The variant was absent in 95259 control chromosomes in the gnomAD database (Structural Variants v4.1 dataset). The available data on variant occurrences in the general population are insufficient to allow any conclusion about variant significance. To our knowledge, no occurrence of c.(2324+1_2325-1)_(*2207_?)dup in individuals affected with Syndromic X-Linked Intellectual Disability 94 and no experimental evidence demonstrating its impact on protein function have been reported. No submitters have cited clinical-significance assessments for this variant to ClinVar. Based on the evidence outlined above, the variant was classified as uncertain significance.